The following is an entry in ClinVar:

ClinVar aggregate classification (germline): Uncertain significance. Review status: criteria provided, multiple submitters, no conflicts (2 of 4 stars). 5 submissions from 5 submitters: Uncertain significance (5). Last evaluated 2026-01-18.

Conditions:
Hereditary cancer-predisposing syndrome. Also called: Tumor predisposition; Hereditary Cancer Syndrome; Hereditary neoplastic syndrome; Neoplastic Syndromes, Hereditary. Identifiers: Orphanet 140162, MedGen C0027672, MeSH D009386, MONDO:0015356.
Breast-ovarian cancer, familial, susceptibility to, 4. Identifiers: Orphanet 145, MedGen C3280345, MONDO:0013669, OMIM 614291.

Allele frequency attached by ClinVar (database versions not stated): TOPMed 0.00002; ESP Exome Variant Server 0.00008.
gnomAD v4.1: 2 of 1,611,252 alleles (0.00012%); highest among the groups gnomAD compares: African/African-American, 0.0027%; no homozygotes.

Submissions (5):

Labcorp Genetics (formerly Invitae), Labcorp
Classification: Uncertain significance for Breast-ovarian cancer, familial, susceptibility to, 4. Last evaluated: 2026-01-18. Review status: criteria provided, single submitter. Criteria: Invitae Variant Classification Sherloc (09022015). Collection method: clinical testing. Allele origin: germline.
Comment: This sequence change replaces glycine, which is neutral and non-polar, with serine, which is neutral and polar, at codon 2 of the RAD51D protein (p.Gly2Ser). This variant is present in population databases (rs372082751, gnomAD 0.007%). This variant has not been reported in the literature in individuals affected with RAD51D-related conditions. ClinVar contains an entry for this variant (Variation ID: 182866). An algorithm developed to predict the effect of missense changes on protein structure and function (PolyPhen-2) suggests that this variant is likely to be tolerated. In summary, the available evidence is currently insufficient to determine the role of this variant in disease. Therefore, it has been classified as a Variant of Uncertain Significance.

Color Diagnostics, LLC DBA Color Health
Classification: Uncertain significance for Hereditary cancer-predisposing syndrome. Last evaluated: 2025-11-03. Review status: criteria provided, single submitter. Criteria: ACMG Guidelines, 2015. Collection method: clinical testing. Allele origin: germline.
Comment: This missense variant replaces glycine with serine at codon 2 of the RAD51D protein. Computational prediction suggests that this variant may not impact protein structure and function. To our knowledge, functional studies have not been reported for this variant. This variant has not been reported in individuals affected with RAD51D-related disorders in the literature. This variant has been identified in 2/1458912 chromosomes in the general population by the Genome Aggregation Database (gnomAD). The available evidence is insufficient to determine the role of this variant in disease conclusively. Therefore, this variant is classified as a Variant of Uncertain Significance.

Ambry Genetics
Classification: Uncertain significance for Hereditary cancer-predisposing syndrome. Last evaluated: 2025-05-02. Review status: criteria provided, single submitter. Criteria: Ambry Variant Classification Scheme 2023. Collection method: clinical testing. Allele origin: germline.
Comment: The p.G2S variant (also known as c.4G>A), located in coding exon 1 of the RAD51D gene, results from a G to A substitution at nucleotide position 4. The glycine at codon 2 is replaced by serine, an amino acid with similar properties. This amino acid position is well conserved in available vertebrate species. In addition, this alteration is predicted to be tolerated by in silico analysis. Since supporting evidence is limited at this time, the clinical significance of this alteration remains unclear.

Baylor Genetics
Classification: Uncertain significance for Breast-ovarian cancer, familial, susceptibility to, 4. Last evaluated: 2023-10-27. Review status: criteria provided, single submitter. Criteria: ACMG Guidelines, 2015. Collection method: clinical testing. Allele origin: unknown.

GeneDx
Classification: Uncertain significance. Last evaluated: 2023-08-03. Review status: criteria provided, single submitter. Criteria: GeneDx Variant Classification Process June 2021. Collection method: clinical testing. Allele origin: germline. Affected: yes.
Comment: Not observed at significant frequency in large population cohorts (gnomAD); In silico analysis supports that this missense variant does not alter protein structure/function; Has not been previously published as pathogenic or benign to our knowledge; This variant is associated with the following publications: (PMID: 21111057)

NM_002878.4(RAD51D):c.4G>A (p.Gly2Ser)

Genes: RAD51D (RAD51 paralog D; minus strand), RAD51L3-RFFL (RAD51L3-RFFL readthrough; minus strand). Cytogenetic location: 17q12.
Variant type: single nucleotide variant.
Coding change: c.4G>A on transcript NM_002878.4 (MANE Select); coding-DNA position 4, G replaced by A.
Protein change: p.Gly2Ser; replaces glycine 2 with serine.
Molecular consequence: missense variant. On other transcripts: non-coding transcript variant (2).
Genome position (GRCh38, 1-based): chr17:35,119,610, C>T on the plus strand (G>A on the coding strand, the complement: RAD51D is on the minus strand). VCF-style: chr17-35119610-C-T. GRCh37 (hg19) VCF-style: chr17-33446629-C-T.
Other names: p.G2S:GGC>AGC; c.4G>A, p.Gly2Ser (NM_001142571.2, NM_133629.3); short protein forms G2S.
Identifiers: ClinVar variation 182866 (VCV000182866.18), dbSNP rs372082751, ClinGen allele CA299954.